The following is an entry in ClinVar:

ClinVar aggregate classification (germline): Likely pathogenic (1 of 4 stars; one submission).

gnomAD v4.1: 1 of 1,614,170 alleles (0.000062%); highest among the groups gnomAD compares: East Asian, 0.0022%; no homozygotes.

Submission:

Labcorp Genetics (formerly Invitae), Labcorp
Classification: Likely pathogenic. Last evaluated: 2023-02-08. Review status: criteria provided, single submitter. Criteria: Invitae Variant Classification Sherloc (09022015). Collection method: clinical testing. Allele origin: germline.
Comment: This sequence change affects a donor splice site in intron 30 of the COL17A1 gene. It is expected to disrupt RNA splicing. Variants that disrupt the donor or acceptor splice site typically lead to a loss of protein function (PMID: 16199547), and loss-of-function variants in COL17A1 are known to be pathogenic (PMID: 16473856, 17344927, 20301304, 21357940, 24319098). This variant is not present in population databases (gnomAD no frequency). This variant has not been reported in the literature in individuals affected with COL17A1-related conditions. Algorithms developed to predict the effect of sequence changes on RNA splicing suggest that this variant may disrupt the consensus splice site. In summary, the currently available evidence indicates that the variant is pathogenic, but additional data are needed to prove that conclusively. Therefore, this variant has been classified as Likely Pathogenic.

Literature cited by the submitters: PubMed 16199547; PubMed 16473856; PubMed 17344927; PubMed 20301304; PubMed 21357940; PubMed 24319098.

NM_000494.4(COL17A1):c.2263+1G>A

Gene: COL17A1 (collagen type XVII alpha 1 chain; minus strand). Cytogenetic location: 10q25.1.
Variant type: single nucleotide variant.
Coding change: c.2263+1G>A on transcript NM_000494.4 (MANE Select); the canonical splice donor site of the intron after coding-DNA position 2263, G replaced by A.
Molecular consequence: splice donor variant.
Genome position (GRCh38, 1-based): chr10:104,048,068, C>T on the plus strand (G>A on the coding strand, the complement: COL17A1 is on the minus strand). VCF-style: chr10-104048068-C-T. GRCh37 (hg19) VCF-style: chr10-105807826-C-T.
Identifiers: ClinVar variation 2835409 (VCV002835409.3), dbSNP rs2493318777, ClinGen allele CA378069127.
Genomic context (GRCh38, chr10:104,048,068, plus strand): 5'-TGCATGCTGGAACAGGGGCTGTGACGGGAGTGAGGCTGGGGGCAGCAGATGAGTGACCAA[C>T]CTCTTGGGCCTTGGTGTCCGTCTGGGCCAGCAGGACCTGGTAAAGTAGAAGCAAGGTCTC-3'